The following is an entry in ClinVar:

NM_020180.4(CELF4):c.1242G>C (p.Gln414His)

Gene: CELF4 (CUGBP Elav-like family member 4; minus strand). Cytogenetic location: 18q12.2.
Variant type: single nucleotide variant.
Coding change: c.1242G>C on transcript NM_020180.4 (MANE Select); coding-DNA position 1242, G replaced by C.
Protein change: p.Gln414His; replaces glutamine 414 with histidine.
Molecular consequence: missense variant. On other transcripts: non-coding transcript variant (11).
Genome position (GRCh38, 1-based): chr18:37,264,681, C>G on the plus strand (G>C on the coding strand, the complement: CELF4 is on the minus strand). VCF-style: chr18-37264681-C-G. GRCh37 (hg19) VCF-style: chr18-34844644-C-G.
Other names: c.1239G>C, p.Gln413His (NM_001025087.2, NM_001353696.2, NM_001353698.2 and 7 more transcripts); c.1236G>C, p.Gln412His (NM_001025088.2, NM_001330603.2, NM_001353724.2 and 8 more transcripts); c.1212G>C, p.Gln404His (NM_001025089.2, NM_001353703.2, NM_001353715.2 and 1 more transcripts); c.1206G>C, p.Gln402His (NM_001353695.2, NM_001353699.2, NM_001353706.2 and 9 more transcripts); c.1209G>C, p.Gln403His (NM_001353697.2, NM_001353700.2, NM_001353707.2 and 8 more transcripts); c.1233G>C, p.Gln411His (NM_001353702.2, NM_001353716.2, NM_001353718.2 and 1 more transcripts); c.1203G>C, p.Gln401His (NM_001353705.2, NM_001353711.2, NM_001353714.2 and 3 more transcripts); c.1242G>C, p.Gln414His (NM_001353708.2, NM_001353734.2, NM_001353740.2); and 6 more; short protein forms Q280H, Q281H, Q289H, Q290H, Q400H, Q401H, Q402H, Q403H.
Identifiers: ClinVar variation 3048187 (VCV003048187.2), dbSNP rs2515400162, ClinGen allele CA402228124.

ClinVar aggregate classification (germline): Uncertain significance (0 of 4 stars; one submission).

Conditions:
CELF4-related disorder. Also called: CELF4-related condition.

gnomAD v4.1: 2 of 1,574,584 alleles (0.00013%); highest among the groups gnomAD compares: Non-Finnish European, 0.00017%; no homozygotes.

Submission:

PreventionGenetics, part of Exact Sciences
Classification: Uncertain significance for CELF4-related condition. Last evaluated: 2023-11-06. Review status: no assertion criteria provided. Collection method: clinical testing. Allele origin: germline.
Comment: The CELF4 c.1242G>C variant is predicted to result in the amino acid substitution p.Gln414His. To our knowledge, this variant has not been reported in the literature or in a large population database, indicating this variant is rare. At this time, the clinical significance of this variant is uncertain due to the absence of conclusive functional and genetic evidence.